The following is an entry in ClinVar:

ClinVar aggregate classification (germline): Uncertain significance (1 of 4 stars; one submission).

Conditions:
Mendelian susceptibility to mycobacterial diseases due to complete ISG15 deficiency. Also called: Immunodeficiency 38; IMMUNODEFICIENCY 38, MYCOBACTERIOSIS, AUTOSOMAL RECESSIVE; ISG15 DEFICIENCY, AUTOSOMAL RECESSIVE; Immunodeficiency 38 with basal ganglia calcification. Identifiers: Orphanet 319563, MedGen C4015293, MONDO:0014502, OMIM 616126.

Submission:

Labcorp Genetics (formerly Invitae), Labcorp
Classification: Uncertain significance for Mendelian susceptibility to mycobacterial diseases due to complete ISG15 deficiency. Last evaluated: 2019-10-09. Review status: criteria provided, single submitter. Criteria: Invitae Variant Classification Sherloc (09022015). Collection method: clinical testing. Allele origin: germline.
Comment: In summary, the available evidence is currently insufficient to determine the role of this variant in disease. Therefore, it has been classified as a Variant of Uncertain Significance. Algorithms developed to predict the effect of missense changes on protein structure and function (SIFT, PolyPhen-2, Align-GVGD) all suggest that this variant is likely to be tolerated, but these predictions have not been confirmed by published functional studies and their clinical significance is uncertain. This variant has not been reported in the literature in individuals with ISG15-related conditions. This variant is reported as two separate entries in the ExAC population database (c.294A>G, 95.3% and c.295C>T, 0.003%). This sequence change replaces arginine with tryptophan at codon 99 of the ISG15 protein (p.Arg99Trp). The arginine residue is weakly conserved and there is a moderate physicochemical difference between arginine and tryptophan.

NM_005101.4(ISG15):c.294_295inv (p.Arg99Trp)

Gene: ISG15 (ISG15 ubiquitin like modifier; plus strand). Cytogenetic location: 1p36.33.
Variant type: Inversion.
Coding change: c.294_295inv on transcript NM_005101.4 (MANE Select).
Protein change: p.Arg99Trp; replaces arginine 99 with tryptophan.
Molecular consequence: missense variant.
Genome position: GRCh38 VCF-style: chr1-1014274-AC-GT. GRCh37 (hg19) VCF-style: chr1-949654-AC-GT.
Other names: short protein forms R99W.
Identifiers: ClinVar variation 969834 (VCV000969834.6), ClinGen allele CA1139655451.